The following is an entry in ClinVar:

ClinVar aggregate classification (germline): Pathogenic (1 of 4 stars; one submission).

Conditions:
Hereditary cancer-predisposing syndrome. Also called: Hereditary Cancer Syndrome; Neoplastic Syndromes, Hereditary; Tumor predisposition; Hereditary neoplastic syndrome. Identifiers: Orphanet 140162, MedGen C0027672, MeSH D009386, MONDO:0015356.

Submission:

Ambry Genetics
Classification: Pathogenic for Hereditary cancer-predisposing syndrome. Last evaluated: 2021-04-11. Review status: criteria provided, single submitter. Criteria: Ambry Variant Classification Scheme 2023. Collection method: clinical testing. Allele origin: germline.
Comment: The p.Q1621* pathogenic mutation (also known as c.4861C>T), located in coding exon 15 of the APC gene, results from a C to T substitution at nucleotide position 4861. This changes the amino acid from a glutamine to a stop codon within coding exon 15. This alteration is expected to result in loss of function by premature protein truncation or nonsense-mediated mRNA decay. As such, this alteration is interpreted as a disease-causing mutation.

NM_000038.6(APC):c.4861C>T (p.Gln1621Ter)

Gene: APC (APC regulator of Wnt signaling pathway; plus strand). Cytogenetic location: 5q22.2.
Variant type: single nucleotide variant.
Coding change: c.4861C>T on transcript NM_000038.6 (MANE Select); coding-DNA position 4861, C replaced by T.
Protein change: p.Gln1621Ter; replaces glutamine 1621 with a stop codon.
Molecular consequence: nonsense.
Genome position (GRCh38, 1-based): chr5:112,840,455, C>T. VCF-style: chr5-112840455-C-T. GRCh37 (hg19) VCF-style: chr5-112176152-C-T.
Other names: c.4558C>T, p.Gln1520Ter (NM_001354903.2, NM_001407458.1, NM_001407459.1 and 1 more transcripts); c.4483C>T, p.Gln1495Ter (NM_001354904.2); c.4381C>T, p.Gln1461Ter (NM_001354905.2); c.4588C>T, p.Gln1530Ter (NM_001354902.2); c.4861C>T, p.Gln1621Ter (NM_001127510.3, NM_001354895.2, NM_001407450.1); c.4807C>T, p.Gln1603Ter (NM_001127511.3); c.4915C>T, p.Gln1639Ter (NM_001354896.2, NM_001407447.1, NM_001407448.1 and 1 more transcripts); c.4891C>T, p.Gln1631Ter (NM_001354897.2); and 11 more; short protein forms Q1492*, Q1520*, Q1538*, Q1596*, Q1603*, Q1611*, Q1614*, Q1621*.
Identifiers: ClinVar variation 1743651 (VCV001743651.2), dbSNP rs762533972, ClinGen allele CA16031979.
Genomic context (GRCh38, chr5:112,840,455, plus strand): 5'-TTACCTCCACCTGTGGCAAGGAAACCAAGTCAGCTGCCTGTGTACAAACTTCTACCATCA[C>T]AAAACAGGTTGCAACCCCAAAAGCATGTTAGTTTTACACCGGGGGATGATATGCCACGGG-3'